The following is an entry in ClinVar:

NM_012233.3(RAB3GAP1):c.596C>A (p.Pro199Gln)

Gene: RAB3GAP1 (RAB3 GTPase activating protein catalytic subunit 1; plus strand). Cytogenetic location: 2q21.3.
Variant type: single nucleotide variant.
Coding change: c.596C>A on transcript NM_012233.3 (MANE Select); coding-DNA position 596, C replaced by A.
Protein change: p.Pro199Gln; replaces proline 199 with glutamine.
Molecular consequence: missense variant.
Genome position (GRCh38, 1-based): chr2:135,115,329, C>A. VCF-style: chr2-135115329-C-A. GRCh37 (hg19) VCF-style: chr2-135872899-C-A.
Other names: c.596C>A, p.Pro199Gln (NM_001172435.2); short protein forms P199Q.
Identifiers: ClinVar variation 2194978 (VCV002194978.4), dbSNP rs2468179557, ClinGen allele CA348567256.
Genomic context (GRCh38, chr2:135,115,329, plus strand): 5'-GAGAATGTCAAGGTCCTGGTGTACGAACTGATTTCGAAATGGTTCATCTTAGAAAAGTGC[C>A]AAATCAGTACACTCACTTATCAGGTCTGCTGGATATCTTCAAATCAAAGATTGTGAGTTG-3'
Protein context (NP_036365.1, residues 189-209): DFEMVHLRKV[Pro199Gln]NQYTHLSGLL

ClinVar aggregate classification (germline): Uncertain significance (1 of 4 stars; one submission).

Submission:

Labcorp Genetics (formerly Invitae), Labcorp
Classification: Uncertain significance. Last evaluated: 2022-09-27. Review status: criteria provided, single submitter. Criteria: Invitae Variant Classification Sherloc (09022015). Collection method: clinical testing. Allele origin: germline.
Comment: This sequence change replaces proline, which is neutral and non-polar, with glutamine, which is neutral and polar, at codon 199 of the RAB3GAP1 protein (p.Pro199Gln). This variant is not present in population databases (gnomAD no frequency). This variant has not been reported in the literature in individuals affected with RAB3GAP1-related conditions. Advanced modeling of protein sequence and biophysical properties (such as structural, functional, and spatial information, amino acid conservation, physicochemical variation, residue mobility, and thermodynamic stability) performed at Invitae indicates that this missense variant is expected to disrupt RAB3GAP1 protein function. In summary, the available evidence is currently insufficient to determine the role of this variant in disease. Therefore, it has been classified as a Variant of Uncertain Significance.